The following is an entry in ClinVar:

NM_001267550.2(TTN):c.11311+3693G>A

Gene: TTN (titin; minus strand). Cytogenetic location: 2q31.2.
Variant type: single nucleotide variant.
Coding change: c.11311+3693G>A on transcript NM_001267550.2 (MANE Select); 3693 bases into the intron after coding-DNA position 11311, G replaced by A.
Molecular consequence: intron variant. On other transcripts: synonymous variant (1).
Genome position (GRCh38, 1-based): chr2:178,749,431, C>T on the plus strand (G>A on the coding strand, the complement: TTN is on the minus strand). VCF-style: chr2-178749431-C-T. GRCh37 (hg19) VCF-style: chr2-179614158-C-T.
Other names: c.12969G>A, p.Gln4323= (NM_133379.5); c.10222+3693G>A (NM_003319.4); c.10798+3693G>A (NM_133437.4); c.10597+3693G>A (NM_133432.3); c.10360+3693G>A (NM_133378.4, NM_001256850.1).
Identifiers: ClinVar variation 4977538 (VCV004977538.1).

ClinVar aggregate classification (germline): Likely benign (1 of 4 stars; one submission).

Conditions:
TTN-related disorder. Also called: TTN-related condition; TTN-related disease; TTN-related disorders.

gnomAD v4.1: 3 of 1,613,048 alleles (0.00019%); highest among the groups gnomAD compares: South Asian, 0.0033%; no homozygotes.

Submission:

PreventionGenetics, part of Exact Sciences
Classification: Likely benign for TTN-related condition. Last evaluated: 2026-03-06. Review status: criteria provided, single submitter. Criteria: ACMG Guidelines, 2015. Collection method: clinical testing. Allele origin: germline.
Comment: This variant is classified as likely benign based on ACMG/AMP sequence variant interpretation guidelines (Richards et al. 2015 PMID: 25741868, with internal and published modifications).